The following is an entry in ClinVar:

ClinVar aggregate classification (germline): Uncertain significance (1 of 4 stars; one submission).

Conditions:
Werner syndrome (WRN). Identifiers: Orphanet 902, MedGen C0043119, MONDO:0010196, OMIM 277700.

Allele frequency attached by ClinVar (database versions not stated): gnomAD exomes below 0.00001.
gnomAD v4.1: 4 of 1,601,562 alleles (0.00025%); highest among the groups gnomAD compares: Non-Finnish European, 0.00034%; no homozygotes.

Submission:

Labcorp Genetics (formerly Invitae), Labcorp
Classification: Uncertain significance for Werner syndrome. Last evaluated: 2022-09-20. Review status: criteria provided, single submitter. Criteria: Invitae Variant Classification Sherloc (09022015). Collection method: clinical testing. Allele origin: germline.
Comment: In summary, the available evidence is currently insufficient to determine the role of this variant in disease. Therefore, it has been classified as a Variant of Uncertain Significance. Algorithms developed to predict the effect of missense changes on protein structure and function are either unavailable or do not agree on the potential impact of this missense change (SIFT: "Not Available"; PolyPhen-2: "Benign"; Align-GVGD: "Not Available"). This variant has not been reported in the literature in individuals affected with WRN-related conditions. This variant is not present in population databases (gnomAD no frequency). This sequence change replaces lysine, which is basic and polar, with glutamic acid, which is acidic and polar, at codon 1103 of the WRN protein (p.Lys1103Glu).

NM_000553.6(WRN):c.3307A>G (p.Lys1103Glu)

Gene: WRN (WRN RecQ like helicase; plus strand). Cytogenetic location: 8p12.
Variant type: single nucleotide variant.
Coding change: c.3307A>G on transcript NM_000553.6 (MANE Select); coding-DNA position 3307, A replaced by G.
Protein change: p.Lys1103Glu; replaces lysine 1103 with glutamic acid.
Molecular consequence: missense variant.
Genome position (GRCh38, 1-based): chr8:31,142,699, A>G. VCF-style: chr8-31142699-A-G. GRCh37 (hg19) VCF-style: chr8-31000215-A-G.
Other names: short protein forms K1103E.
Identifiers: ClinVar variation 2154922 (VCV002154922.4), dbSNP rs2536033578, ClinGen allele CA370923524.